The following is an entry in ClinVar:

ClinVar aggregate classification (germline): Uncertain significance. Review status: criteria provided, multiple submitters, no conflicts (2 of 4 stars). 2 submissions from 2 submitters: Uncertain significance (2). Last evaluated 2023-08-23.

Conditions:
Cardiomyopathy (CMYO). Also called: Cardiomyopathies. Identifiers: Orphanet 167848, MedGen C0878544, MONDO:0004994, HP:0001638. Inheritance: Various modes of inheritance.
Arrhythmogenic right ventricular cardiomyopathy (ARVD). Also called: Arrhythmogenic right ventricular dysplasia; Cardiomyopathy, ARVC; Arrhythmogenic cardiomyopathy; Arrhythmogenic Right Ventricular Cardiomyopathy (ARVC). Identifiers: Orphanet 247, MedGen C0349788, MeSH D019571, MONDO:0016587. Disease mechanism: loss of function. Inheritance: Various modes of inheritance.

Submissions (2):

All of Us Research Program, National Institutes of Health
Classification: Uncertain significance for Arrhythmogenic right ventricular cardiomyopathy. Last evaluated: 2023-08-23. Review status: criteria provided, single submitter. Criteria: ACMG Guidelines, 2015. Collection method: clinical testing. Allele origin: germline. Inheritance: Autosomal dominant inheritance. Observed: 1 variant allele, 1 heterozygote.
Comment: This missense variant replaces serine with cysteine at codon 203 of the PKP2 protein. Computational prediction suggests that this variant may not impact protein structure and function (internally defined REVEL score threshold <= 0.5, PMID: 27666373). To our knowledge, functional studies have not been reported for this variant. This variant has not been reported in individuals affected with PKP2-related disorders in the literature. This variant has not been identified in the general population by the Genome Aggregation Database (gnomAD). The available evidence is insufficient to determine the role of this variant in disease conclusively. Therefore, this variant is classified as a Variant of Uncertain Significance.

This study involves interpretation of variants in research participants for the purpose of population health screening. Participant phenotype was not available at the time of variant classification. Additional details can be found in publication PMID: 35346344, PMCID: PMC8962531

Color Diagnostics, LLC DBA Color Health
Classification: Uncertain significance for Cardiomyopathy. Last evaluated: 2023-08-09. Review status: criteria provided, single submitter. Criteria: ACMG Guidelines, 2015. Collection method: clinical testing. Allele origin: germline.
Comment: This missense variant replaces serine with cysteine at codon 203 of the PKP2 protein. Computational prediction suggests that this variant may not impact protein structure and function. To our knowledge, functional studies have not been reported for this variant. This variant has not been reported in individuals affected with PKP2-related disorders in the literature. This variant has not been identified in the general population by the Genome Aggregation Database (gnomAD). The available evidence is insufficient to determine the role of this variant in disease conclusively. Therefore, this variant is classified as a Variant of Uncertain Significance.

NM_001005242.3(PKP2):c.607A>T (p.Ser203Cys)

Gene: PKP2 (plakophilin 2; minus strand). Cytogenetic location: 12p11.21.
Variant type: single nucleotide variant.
Coding change: c.607A>T on transcript NM_001005242.3 (MANE Select); coding-DNA position 607, A replaced by T.
Protein change: p.Ser203Cys; replaces serine 203 with cysteine.
Molecular consequence: missense variant.
Genome position (GRCh38, 1-based): chr12:32,878,273, T>A on the plus strand (A>T on the coding strand, the complement: PKP2 is on the minus strand). VCF-style: chr12-32878273-T-A. GRCh37 (hg19) VCF-style: chr12-33031207-T-A.
Other names: c.607A>T, p.Ser203Cys (NM_001407155.1, NM_001407156.1, NM_001407157.1 and 2 more transcripts); c.280A>T, p.Ser94Cys (NM_001407158.1, NM_001407159.1, NM_001407160.1 and 1 more transcripts); short protein forms S203C, S94C.
Identifiers: ClinVar variation 3073119 (VCV003073119.2), dbSNP rs2541341038, ClinGen allele CA384364079.
Genomic context (GRCh38, chr12:32,878,273, plus strand): 5'-GCTGGTACTGTCTGTGGTATGTGTCAAAGTGGCGCTGCCTGCTTGTGGTGCCAGCACGGC[T>A]GACCCCCACGATCTCGGAACGAGCATATCTCGGTGGCACTAGGAGGGCGGCCCGCCTGCT-3'
Protein context (NP_001005242.2, residues 193-213): RYARSEIVGV[Ser203Cys]RAGTTSRQRH